The following is an entry in ClinVar:

NM_000548.5(TSC2):c.2408A>G (p.Gln803Arg)

Gene: TSC2 (TSC complex subunit 2; plus strand). Cytogenetic location: 16p13.3.
Variant type: single nucleotide variant.
Coding change: c.2408A>G on transcript NM_000548.5 (MANE Select); coding-DNA position 2408, A replaced by G.
Protein change: p.Gln803Arg; replaces glutamine 803 with arginine.
Molecular consequence: missense variant.
Genome position (GRCh38, 1-based): chr16:2,074,252, A>G. VCF-style: chr16-2074252-A-G. GRCh37 (hg19) VCF-style: chr16-2124253-A-G.
Other names: c.2408A>G, p.Gln803Arg (NM_001077183.3, NM_001114382.3, NM_001363528.2 and 6 more transcripts); c.2297A>G, p.Gln766Arg (NM_001318827.2, NM_001406670.1, NM_001406678.1); c.2261A>G, p.Gln754Arg (NM_001318829.2, NM_001406675.1, NM_001406676.1 and 1 more transcripts); c.1808A>G, p.Gln603Arg (NM_001318831.2, NM_001406680.1, NM_001406682.1 and 6 more transcripts); c.2441A>G, p.Gln814Arg (NM_001318832.2); c.2498A>G, p.Gln833Arg (NM_001406667.1, NM_001406668.1); c.2396A>G, p.Gln799Arg (NM_001406671.1, NM_001406673.1); c.2351A>G, p.Gln784Arg (NM_001406677.1); and 3 more; short protein forms Q269R, Q803R, Q833R, Q355R, Q603R, Q754R, Q784R, Q814R.
Identifiers: ClinVar variation 1790824 (VCV001790824.7), dbSNP rs2151349126, ClinGen allele CA394277154.
Genomic context (GRCh38, chr16:2,074,252, plus strand): 5'-TCCTGCAGCGCGAGATGGTCTACTGCCTGGAGCAGGGCCTCATCCACCGCTGTGCCAGCC[A>G]GTGCGTCGTGGCCTTGTCCATCTGCAGCGTGGAGATGCCTGACATCATCATCAAGGCGCT-3'
Protein context (NP_000539.2, residues 793-813): EQGLIHRCAS[Gln803Arg]CVVALSICSV

ClinVar aggregate classification (germline): Uncertain significance. Review status: criteria provided, multiple submitters, no conflicts (2 of 4 stars). 2 submissions from 2 submitters: Uncertain significance (2). Last evaluated 2023-07-18.

Conditions:
Hereditary cancer-predisposing syndrome. Also called: Neoplastic Syndromes, Hereditary; Tumor predisposition; Hereditary neoplastic syndrome; Hereditary Cancer Syndrome. Identifiers: Orphanet 140162, MedGen C0027672, MeSH D009386, MONDO:0015356.
Tuberous sclerosis 2 (TSC2). Identifiers: Orphanet 805, MedGen C1860707, MONDO:0013199, OMIM 613254.

Submissions (2):

Labcorp Genetics (formerly Invitae), Labcorp
Classification: Uncertain significance for Tuberous sclerosis 2. Last evaluated: 2023-07-18. Review status: criteria provided, single submitter. Criteria: Invitae Variant Classification Sherloc (09022015). Collection method: clinical testing. Allele origin: germline.
Comment: In summary, the available evidence is currently insufficient to determine the role of this variant in disease. Therefore, it has been classified as a Variant of Uncertain Significance. Advanced modeling of protein sequence and biophysical properties (such as structural, functional, and spatial information, amino acid conservation, physicochemical variation, residue mobility, and thermodynamic stability) performed at Invitae indicates that this missense variant is not expected to disrupt TSC2 protein function. ClinVar contains an entry for this variant (Variation ID: 1790824). This variant has not been reported in the literature in individuals affected with TSC2-related conditions. This variant is not present in population databases (gnomAD no frequency). This sequence change replaces glutamine, which is neutral and polar, with arginine, which is basic and polar, at codon 803 of the TSC2 protein (p.Gln803Arg).

Ambry Genetics
Classification: Uncertain significance for Hereditary cancer-predisposing syndrome. Last evaluated: 2022-07-12. Review status: criteria provided, single submitter. Criteria: Ambry Variant Classification Scheme 2023. Collection method: clinical testing. Allele origin: germline.
Comment: The p.Q803R variant (also known as c.2408A>G), located in coding exon 21 of the TSC2 gene, results from an A to G substitution at nucleotide position 2408. The glutamine at codon 803 is replaced by arginine, an amino acid with highly similar properties. This amino acid position is conserved. In addition, this alteration is predicted to be deleterious by in silico analysis. Since supporting evidence is limited at this time, the clinical significance of this alteration remains unclear.